The following is an entry in ClinVar:

NM_012418.4(FSCN2):c.936C>A (p.Tyr312Ter)

Gene: FSCN2 (fascin actin-bundling protein 2, retinal; plus strand). Cytogenetic location: 17q25.3.
Variant type: single nucleotide variant.
Coding change: c.936C>A on transcript NM_012418.4 (MANE Select); coding-DNA position 936, C replaced by A.
Protein change: p.Tyr312Ter; replaces tyrosine 312 with a stop codon.
Molecular consequence: nonsense.
Genome position (GRCh38, 1-based): chr17:81,535,161, C>A. VCF-style: chr17-81535161-C-A. GRCh37 (hg19) VCF-style: chr17-79502187-C-A.
Other names: c.936C>A, p.Tyr312Ter (NM_001077182.3); short protein forms Y312*.
Identifiers: ClinVar variation 1489539 (VCV001489539.6), dbSNP rs2143894828, ClinGen allele CA401475894.
Genomic context (GRCh38, chr17:81,535,161, plus strand): 5'-CCTGATGCAAATTGACCAGGAGACAAAGAAGTGCACCTTCTATTCCAGCACTGGGGGCTA[C>A]TGGACCCTGGTCACCCATGGGGGCATTCACGCCACAGCCACACAAGTGTGAGTGCACACA-3'

ClinVar aggregate classification (germline): Uncertain significance (1 of 4 stars; one submission).

Allele frequency attached by ClinVar (database versions not stated): gnomAD exomes below 0.00001.
gnomAD v4.1: 1 of 1,533,944 alleles (0.000065%); highest among the groups gnomAD compares: African/African-American, 0.0014%; no homozygotes.

Submission:

Labcorp Genetics (formerly Invitae), Labcorp
Classification: Uncertain significance. Last evaluated: 2022-08-15. Review status: criteria provided, single submitter. Criteria: Invitae Variant Classification Sherloc (09022015). Collection method: clinical testing. Allele origin: germline.
Comment: In summary, the available evidence is currently insufficient to determine the role of this variant in disease. Therefore, it has been classified as a Variant of Uncertain Significance. ClinVar contains an entry for this variant (Variation ID: 1489539). This variant has not been reported in the literature in individuals affected with FSCN2-related conditions. This variant is not present in population databases (gnomAD no frequency). This sequence change creates a premature translational stop signal (p.Tyr312*) in the FSCN2 gene. It is expected to result in an absent or disrupted protein product. However, the current clinical and genetic evidence is not sufficient to establish whether loss-of-function variants in FSCN2 cause disease.